The following is an entry in ClinVar:

NM_024334.3(TMEM43):c.542C>T (p.Thr181Ile)

Gene: TMEM43 (transmembrane protein 43; plus strand). Cytogenetic location: 3p25.1.
Variant type: single nucleotide variant.
Coding change: c.542C>T on transcript NM_024334.3 (MANE Select); coding-DNA position 542, C replaced by T.
Protein change: p.Thr181Ile; replaces threonine 181 with isoleucine.
Molecular consequence: missense variant.
Genome position (GRCh38, 1-based): chr3:14,133,768, C>T. VCF-style: chr3-14133768-C-T. GRCh37 (hg19) VCF-style: chr3-14175268-C-T.
Other names: short protein forms T181I.
Identifiers: ClinVar variation 956882 (VCV000956882.9), dbSNP rs1695131103, ClinGen allele CA351535330.
Genomic context (GRCh38, chr3:14,133,768, plus strand): 5'-CCCATCTCTGACAGCTTCCTCTCTCCCACAGTGCCATGGCAGTGGAGTCATTCATGGCAA[C>T]AGCCCCCTTTGTCCAAATTGGCAGGTTTTTCCTCTCGTCAGGTAAGTCTCAGGCCTCTCC-3'
Protein context (NP_077310.1, residues 171-191): SAMAVESFMA[Thr181Ile]APFVQIGRFF

ClinVar aggregate classification (germline): Uncertain significance (1 of 4 stars; one submission).

Conditions:
Arrhythmogenic right ventricular dysplasia 5. Also called: Arrhythmogenic Right Ventricular Dysplasia/Cardiomyopathy 5; ARRHYTHMOGENIC RIGHT VENTRICULAR DYSPLASIA, FAMILIAL, 5. Identifiers: MedGen C1858379, MONDO:0011459, OMIM 604400.

Allele frequency attached by ClinVar (database versions not stated): gnomAD exomes below 0.00001; TOPMed below 0.00001; gnomAD 0.00001.

Submission:

Labcorp Genetics (formerly Invitae), Labcorp
Classification: Uncertain significance for Arrhythmogenic right ventricular dysplasia 5. Last evaluated: 2022-07-19. Review status: criteria provided, single submitter. Criteria: Invitae Variant Classification Sherloc (09022015). Collection method: clinical testing. Allele origin: germline.
Comment: In summary, the available evidence is currently insufficient to determine the role of this variant in disease. Therefore, it has been classified as a Variant of Uncertain Significance. Algorithms developed to predict the effect of missense changes on protein structure and function (SIFT, PolyPhen-2, Align-GVGD) all suggest that this variant is likely to be tolerated. ClinVar contains an entry for this variant (Variation ID: 956882). This variant has not been reported in the literature in individuals affected with TMEM43-related conditions. This variant is not present in population databases (gnomAD no frequency). This sequence change replaces threonine, which is neutral and polar, with isoleucine, which is neutral and non-polar, at codon 181 of the TMEM43 protein (p.Thr181Ile).